The following is an entry in ClinVar:

ClinVar aggregate classification (germline): Pathogenic (1 of 4 stars; one submission).

Submission:

Labcorp Genetics (formerly Invitae), Labcorp
Classification: Pathogenic. Last evaluated: 2025-05-29. Review status: criteria provided, single submitter. Criteria: Invitae Variant Classification Sherloc (09022015). Collection method: clinical testing. Allele origin: germline.
Comment: This sequence change creates a premature translational stop signal (p.Pro114Alafs*29) in the CABP4 gene. It is expected to result in an absent or disrupted protein product. Loss-of-function variants in CABP4 are known to be pathogenic (PMID: 25307992). This variant is not present in population databases (gnomAD no frequency). This variant has not been reported in the literature in individuals affected with CABP4-related conditions. ClinVar contains an entry for this variant (Variation ID: 2006829). For these reasons, this variant has been classified as Pathogenic.

Literature cited by the submitters: PubMed 25307992.

NM_145200.5(CABP4):c.339dup (p.Pro114fs)

Gene: CABP4 (calcium binding protein 4; plus strand). Cytogenetic location: 11q13.2.
Variant type: Duplication.
Coding change: c.339dup on transcript NM_145200.5 (MANE Select); coding-DNA position 339, one base duplicated (G; older notation c.339dupG).
Protein change: p.Pro114fs; shifts the reading frame from proline 114.
Molecular consequence: frameshift variant. On other transcripts: 5 prime UTR variant (3), non-coding transcript variant (1).
Genome position (GRCh38, 1-based): chr11:67,455,762, G duplicated; the last of 3 consecutive G bases (chr11:67,455,760-67,455,762); duplicating any one gives the same sequence. VCF-style (leftmost placement, unchanged base first): chr11-67455759-C-CG. GRCh37 (hg19) VCF-style: chr11-67223230-C-CG.
Other names: c.-45dup (NM_001300895.3); c.-59dup (NM_001300896.3, NM_001379183.1); short protein forms P114fs.
Identifiers: ClinVar variation 2006829 (VCV002006829.4), dbSNP rs2495636094, ClinGen allele CA2580084627.